The following is an entry in ClinVar:

ClinVar aggregate classification (germline): Uncertain significance. Review status: criteria provided, single submitter (1 of 4 stars). 2 submissions from 2 submitters: Uncertain significance (1). 1 of the submissions does not count toward it. Last evaluated 2026-04-27.

Conditions:
Polycystic kidney disease 4 (PKD4). Also called: PKD3; POLYCYSTIC KIDNEY AND HEPATIC DISEASE 1; POLYCYSTIC KIDNEY DISEASE, INFANTILE, TYPE I; Autosomal Recessive Polycystic Kidney Disease – PKHD1; POLYCYSTIC KIDNEY DISEASE 4 WITH OR WITHOUT POLYCYSTIC LIVER DISEASE. Identifiers: MedGen C4540575, MONDO:0033004, OMIM 263200.
PKHD1-related disorder. Also called: PKHD1-related condition.

gnomAD v4.1: 3 of 1,614,128 alleles (0.00019%); highest among the groups gnomAD compares: Non-Finnish European, 0.00025%; no homozygotes.

Submissions (2):

Myriad Genetics, Inc.
Classification: Uncertain significance for Polycystic kidney disease 4. Last evaluated: 2026-04-27. Review status: criteria provided, single submitter. Criteria: Myriad Autosomal Dominant, Autosomal Recessive and X-Linked Classification Criteria (2023). Collection method: clinical testing. Allele origin: unknown.
Comment: NM_138694.3(PKHD1):c.1388C>T(P463L) is undefined variant classified as a variant of uncertain significance in the context of autosomal recessive polycystic kidney disease, PKHD1-related. P463L has been observed in a case with relevant disease (PMID: 33940108). Relevant functional assessments of this variant are not available in the literature. P463L has not been observed in referenced population frequency databases. In summary, there is insufficient evidence to classify NM_138694.3(PKHD1):c.1388C>T(P463L) as pathogenic or benign. Please note: this variant was assessed in the context of healthy population screening.

PreventionGenetics, part of Exact Sciences
Classification: Uncertain significance for PKHD1-related condition. Last evaluated: 2024-07-11. Review status: no assertion criteria provided. Collection method: clinical testing. Allele origin: germline. Not counted in ClinVar's aggregate classification.
Comment: The PKHD1 c.1388C>T variant is predicted to result in the amino acid substitution p.Pro463Leu. This variant has been reported in an individual with autosomal recessive polycystic kidney disease who also carries a frameshift variant in PKHD1 (Supplementary Table S3, Burgmaier et al 2021. PubMed ID: 33940108). This variant has not been reported in a large population database, indicating this variant is rare. At this time, the clinical significance of this variant is uncertain due to the absence of conclusive functional and genetic evidence.

Literature cited by the submitters: PubMed 33940108 (cited by Myriad Genetics, Inc.).

NM_138694.4(PKHD1):c.1388C>T (p.Pro463Leu)

Gene: PKHD1 (PKHD1 ciliary IPT domain containing fibrocystin/polyductin; minus strand). Cytogenetic location: 6p12.2.
Variant type: single nucleotide variant.
Coding change: c.1388C>T on transcript NM_138694.4 (MANE Select); coding-DNA position 1388, C replaced by T.
Protein change: p.Pro463Leu; replaces proline 463 with leucine.
Molecular consequence: missense variant.
Genome position (GRCh38, 1-based): chr6:52,058,447, G>A on the plus strand (C>T on the coding strand, the complement: PKHD1 is on the minus strand). VCF-style: chr6-52058447-G-A. GRCh37 (hg19) VCF-style: chr6-51923245-G-A.
Other names: c.1388C>T, p.Pro463Leu (NM_170724.3); short protein forms P463L.
Identifiers: ClinVar variation 3348730 (VCV003348730.2).
Genomic context (GRCh38, chr6:52,058,447, plus strand): 5'-ACCACATCAGGATTCAGCCAGGTGTTGTGAATCTGGACACCAATCCTCATCCCCCTGCTT[G>A]GGGCTATCCCATGATGCTCTGCTTCCAGGTAGTACATGGCTCCACCCAACAGCTCCAACT-3'
Protein context (NP_619639.3, residues 453-473): YLEAEHHGIA[Pro463Leu]SRGMRIGVQI